The following is an entry in ClinVar:

ClinVar aggregate classification (germline): Uncertain significance (1 of 4 stars; one submission).

Submission:

Labcorp Genetics (formerly Invitae), Labcorp
Classification: Uncertain significance. Last evaluated: 2023-11-18. Review status: criteria provided, single submitter. Criteria: Invitae Variant Classification Sherloc (09022015). Collection method: clinical testing. Allele origin: germline.
Comment: This sequence change replaces glycine, which is neutral and non-polar, with glutamic acid, which is acidic and polar, at codon 903 of the ARID1B protein (p.Gly903Glu). This variant is not present in population databases (gnomAD no frequency). This variant has not been reported in the literature in individuals affected with ARID1B-related conditions. Advanced modeling of protein sequence and biophysical properties (such as structural, functional, and spatial information, amino acid conservation, physicochemical variation, residue mobility, and thermodynamic stability) has been performed at Invitae for this missense variant, however the output from this modeling did not meet the statistical confidence thresholds required to predict the impact of this variant on ARID1B protein function. In summary, the available evidence is currently insufficient to determine the role of this variant in disease. Therefore, it has been classified as a Variant of Uncertain Significance.

NM_001374828.1(ARID1B):c.2918G>A (p.Gly973Glu)

Gene: ARID1B (AT-rich interaction domain 1B; plus strand). Cytogenetic location: 6q25.3.
Variant type: single nucleotide variant.
Coding change: c.2918G>A on transcript NM_001374828.1 (MANE Select); coding-DNA position 2918, G replaced by A.
Protein change: p.Gly973Glu; replaces glycine 973 with glutamic acid.
Molecular consequence: missense variant.
Genome position (GRCh38, 1-based): chr6:157,148,780, G>A. VCF-style: chr6-157148780-G-A. GRCh37 (hg19) VCF-style: chr6-157469914-G-A.
Other names: c.2669G>A, p.Gly890Glu (NM_001346813.1); c.419G>A, p.Gly140Glu (NM_001363725.2); c.2957G>A, p.Gly986Glu (NM_001371656.1, NM_001374820.1); c.2918G>A, p.Gly973Glu (NM_017519.3); c.2708G>A, p.Gly903Glu (NM_020732.3); c.2495G>A, p.Gly832Glu (NM_175863.2); short protein forms G140E, G890E, G973E, G832E, G986E, G903E.
Identifiers: ClinVar variation 2697094 (VCV002697094.3), dbSNP rs771600870, ClinGen allele CA366388934.